The following is an entry in ClinVar:

NM_007129.5(ZIC2):c.1255C>A (p.Pro419Thr)

Gene: ZIC2 (Zic family zinc finger 2; plus strand). Cytogenetic location: 13q32.3.
Variant type: single nucleotide variant.
Coding change: c.1255C>A on transcript NM_007129.5 (MANE Select); coding-DNA position 1255, C replaced by A.
Protein change: p.Pro419Thr; replaces proline 419 with threonine.
Molecular consequence: missense variant.
Genome position (GRCh38, 1-based): chr13:99,985,338, C>A. VCF-style: chr13-99985338-C-A. GRCh37 (hg19) VCF-style: chr13-100637592-C-A.
Other names: short protein forms P419T.
Identifiers: ClinVar variation 2727139 (VCV002727139.3), dbSNP rs2152163708, ClinGen allele CA388639192.

ClinVar aggregate classification (germline): Uncertain significance (1 of 4 stars; one submission).

Conditions:
Holoprosencephaly 5 (HPE5). Identifiers: Orphanet 2162, MedGen C1864827, MONDO:0012322, OMIM 609637.

Submission:

Labcorp Genetics (formerly Invitae), Labcorp
Classification: Uncertain significance for Holoprosencephaly 5. Last evaluated: 2023-06-29. Review status: criteria provided, single submitter. Criteria: Invitae Variant Classification Sherloc (09022015). Collection method: clinical testing. Allele origin: germline.
Comment: In summary, the available evidence is currently insufficient to determine the role of this variant in disease. Therefore, it has been classified as a Variant of Uncertain Significance. This sequence change replaces proline, which is neutral and non-polar, with threonine, which is neutral and polar, at codon 419 of the ZIC2 protein (p.Pro419Thr). This variant is not present in population databases (gnomAD no frequency). This variant has not been reported in the literature in individuals affected with ZIC2-related conditions. Advanced modeling of protein sequence and biophysical properties (such as structural, functional, and spatial information, amino acid conservation, physicochemical variation, residue mobility, and thermodynamic stability) performed at Invitae indicates that this missense variant is not expected to disrupt ZIC2 protein function.